The following is an entry in ClinVar:

NM_003002.4(SDHD):c.255G>T (p.Leu85Phe)

Gene: SDHD (succinate dehydrogenase complex subunit D; plus strand). Cytogenetic location: 11q23.1.
Variant type: single nucleotide variant.
Coding change: c.255G>T on transcript NM_003002.4 (MANE Select); coding-DNA position 255, G replaced by T.
Protein change: p.Leu85Phe; replaces leucine 85 with phenylalanine.
Molecular consequence: missense variant. On other transcripts: non-coding transcript variant (1), intron variant (1).
Genome position (GRCh38, 1-based): chr11:112,088,952, G>T. VCF-style: chr11-112088952-G-T. GRCh37 (hg19) VCF-style: chr11-111959676-G-T.
Other names: c.138G>T, p.Leu46Phe (NM_001276504.2); c.255G>T, p.Leu85Phe (NM_001276506.2); c.169+979G>T (NM_001276503.2); short protein forms L85F, L46F.
Identifiers: ClinVar variation 135198 (VCV000135198.12), dbSNP rs199517389, ClinGen allele CA016696.

ClinVar aggregate classification (germline): Conflicting classifications of pathogenicity. Review status: criteria provided, conflicting classifications (1 of 4 stars). 5 submissions from 5 submitters: Uncertain significance (3); Likely benign (1). 1 of the submissions does not count toward it. Last evaluated 2025-11-09.

Conditions:
Paragangliomas with sensorineural hearing loss. Identifiers: MedGen C1868633.
Cowden syndrome 3 (CWS3). Identifiers: Orphanet 201, MedGen CN166604, MONDO:0014045.
Pheochromocytoma. Also called: MAX-Related Hereditary Paraganglioma-Pheochromocytoma Syndrome. Identifiers: Orphanet 29072, MedGen C0031511, MONDO:0008233, OMIM 171300, HP:0002666.
Carney-Stratakis syndrome. Also called: PARAGANGLIOMA AND GASTROINTESTINAL STROMAL TUMOR. Identifiers: Orphanet 97286, MedGen C1847319, MONDO:0011740, OMIM 606864.
Hereditary cancer-predisposing syndrome. Also called: Hereditary neoplastic syndrome; Hereditary Cancer Syndrome; Neoplastic Syndromes, Hereditary; Tumor predisposition. Identifiers: Orphanet 140162, MedGen C0027672, MeSH D009386, MONDO:0015356.
Hereditary pheochromocytoma and paraganglioma. Also called: Hereditary Paraganglioma-Pheochromocytoma Syndromes; Hereditary paragangliomas and pheochromocytomas; Hereditary pheochromocytoma-paraganglioma. Identifiers: Orphanet 29072, MedGen C4274332, MONDO:0017366.

Submissions (5):

Labcorp Genetics (formerly Invitae), Labcorp
Classification: Uncertain significance for Carney-Stratakis syndrome; Paragangliomas with sensorineural hearing loss; Pheochromocytoma; Cowden syndrome 3. Last evaluated: 2025-11-09. Review status: criteria provided, single submitter. Criteria: Invitae Variant Classification Sherloc (09022015). Collection method: clinical testing. Allele origin: germline.
Comment: This sequence change replaces leucine, which is neutral and non-polar, with phenylalanine, which is neutral and non-polar, at codon 85 of the SDHD protein (p.Leu85Phe). This variant is not present in population databases (gnomAD no frequency). This missense change has been observed in individual(s) with paraganglioma (PMID: 34877445). ClinVar contains an entry for this variant (Variation ID: 135198). Invitae Evidence Modeling of protein sequence and biophysical properties (such as structural, functional, and spatial information, amino acid conservation, physicochemical variation, residue mobility, and thermodynamic stability) indicates that this missense variant is not expected to disrupt SDHD protein function with a negative predictive value of 95%. In summary, the available evidence is currently insufficient to determine the role of this variant in disease. Therefore, it has been classified as a Variant of Uncertain Significance.

Color Diagnostics, LLC DBA Color Health
Classification: Uncertain significance for Hereditary pheochromocytoma and paraganglioma. Last evaluated: 2025-06-03. Review status: criteria provided, single submitter. Criteria: ACMG Guidelines, 2015. Collection method: clinical testing. Allele origin: germline.
Comment: This missense variant replaces leucine with phenylalanine at codon 85 of the SDHD protein. Computational prediction is inconclusive regarding the impact of this variant on protein structure and function. To our knowledge, functional studies have not been reported for this variant. This variant has been reported in an individual affected with paraganglioma and follicular lymphoma (PMID: 34877445). This variant has not been identified in the general population by the Genome Aggregation Database (gnomAD). The available evidence is insufficient to determine the role of this variant in disease conclusively. Therefore, this variant is classified as a Variant of Uncertain Significance.

Quest Diagnostics Nichols Institute San Juan Capistrano
Classification: Uncertain significance. Last evaluated: 2024-02-13. Review status: criteria provided, single submitter. Criteria: Quest Diagnostics criteria. Collection method: clinical testing. Allele origin: unknown.
Comment: The SDHD c.255G>T (p.Leu85Phe) variant has been reported in the published literature in an individual with paraganglioma and follicular lymphoma (PMID: 34877445 (2021)). This variant has not been reported in large, multi-ethnic general populations (Genome Aggregation Database). Analysis of this variant using bioinformatics tools for the prediction of the effect of amino acid changes on protein structure and function yielded predictions that this variant is benign. Based on the available information, we are unable to determine the clinical significance of this variant.

Ambry Genetics
Classification: Likely benign for Hereditary cancer-predisposing syndrome. Last evaluated: 2020-05-14. Review status: criteria provided, single submitter. Criteria: Ambry Variant Classification Scheme 2023. Collection method: clinical testing. Allele origin: germline.

ITMI
No classification provided. Condition: AllHighlyPenetrant. Last evaluated: 2013-09-19. Review status: no classification provided. Collection method: reference population. Allele origin: germline. Not counted in ClinVar's aggregate classification.
Comment: Please see associated publication for description of ethnicities

Literature cited by the submitters: PubMed 34877445 (cited by 3 submitters); PubMed 24728327 (cited by ITMI).